The following is an entry in ClinVar:

ClinVar aggregate classification (germline): Uncertain significance (1 of 4 stars; one submission).

Conditions:
BBS10-related disorder. Also called: BBS10-related condition.

Submission:

PreventionGenetics, part of Exact Sciences
Classification: Uncertain significance for BBS10-related condition. Last evaluated: 2026-01-02. Review status: criteria provided, single submitter. Criteria: ACMG Guidelines, 2015. Collection method: clinical testing. Allele origin: germline.
Comment: The BBS10 c.420A>G variant is predicted to result in the amino acid substitution p.Ile140Met. To our knowledge, this variant has not been reported in the literature or in a large population database (gnomAD), indicating this variant is rare. At this time, the clinical significance of this variant is uncertain due to the absence of conclusive functional and genetic evidence.

NM_024685.4(BBS10):c.420A>G (p.Ile140Met)

Gene: BBS10 (Bardet-Biedl syndrome 10; minus strand). Cytogenetic location: 12q21.2.
Variant type: single nucleotide variant.
Coding change: c.420A>G on transcript NM_024685.4 (MANE Select); coding-DNA position 420, A replaced by G.
Protein change: p.Ile140Met; replaces isoleucine 140 with methionine.
Molecular consequence: missense variant.
Genome position (GRCh38, 1-based): chr12:76,347,565, T>C on the plus strand (A>G on the coding strand, the complement: BBS10 is on the minus strand). VCF-style: chr12-76347565-T-C. GRCh37 (hg19) VCF-style: chr12-76741345-T-C.
Other names: short protein forms I140M.
Identifiers: ClinVar variation 4981152 (VCV004981152.1).
Genomic context (GRCh38, chr12:76,347,565, plus strand): 5'-AGCAGACGAAAAGATAGACAAAAAGTGTCTACTTAGGTACTGGTCCATAATACCGTCTAA[T>C]ATTTGTGTCTGAAACGTTAGGAGAGCCTGGGAAATAAATTTCCACCGAGAACAATTTTTC-3'
Protein context (NP_078961.3, residues 130-150): SQALLTFQTQ[Ile140Met]LDGIMDQYLS